The following is an entry in ClinVar:

NM_000168.6(GLI3):c.3935T>G (p.Met1312Arg)

Gene: GLI3 (GLI family zinc finger 3; minus strand). Cytogenetic location: 7p14.1.
Variant type: single nucleotide variant.
Coding change: c.3935T>G on transcript NM_000168.6 (MANE Select); coding-DNA position 3935, T replaced by G.
Protein change: p.Met1312Arg; replaces methionine 1312 with arginine.
Molecular consequence: missense variant.
Genome position (GRCh38, 1-based): chr7:41,965,138, A>C on the plus strand (T>G on the coding strand, the complement: GLI3 is on the minus strand). VCF-style: chr7-41965138-A-C. GRCh37 (hg19) VCF-style: chr7-42004736-A-C.
Other names: p.Met1312Arg; short protein forms M1312R.
Identifiers: ClinVar variation 283130 (VCV000283130.51), dbSNP rs199875457, ClinGen allele CA4230224.

ClinVar aggregate classification (germline): Conflicting classifications of pathogenicity. Review status: criteria provided, conflicting classifications (1 of 4 stars). 13 submissions from 11 submitters: Uncertain significance (1); Benign (5); Likely benign (3). 4 of the submissions do not count toward it. Last evaluated 2025-12-10.

Conditions:
GLI3-related disorder. Also called: GLI3-related condition; GLI3-related disorders. Identifiers: MedGen CN239292.
Polydactyly. Also called: polydactylism. Identifiers: MedGen C0152427, MONDO:0021003, OMIM 603596, HP:0010442.
Pallister-Hall syndrome (PHS). Also called: HYPOTHALAMIC HAMARTOBLASTOMA, HYPOPITUITARISM, IMPERFORATE ANUS, AND POSTAXIAL POLYDACTYLY; GLI3-Related Pallister-Hall Syndrome. Identifiers: Orphanet 672, MedGen C0265220, MONDO:0007804, OMIM 146510.
Greig cephalopolysyndactyly syndrome (GCPS). Also called: GLI3-Related Greig Cephalopolysyndactyly Syndrome; POLYSYNDACTYLY WITH PECULIAR SKULL SHAPE; Greig syndrome. Identifiers: Orphanet 380, MedGen C0265306, MONDO:0008287, OMIM 175700.

Allele frequency attached by ClinVar (database versions not stated): ESP Exome Variant Server 0.00008; gnomAD exomes 0.00025 and 0.00033; ExAC 0.00026; gnomAD 0.00026 and 0.00027; 1000 Genomes Project 30x 0.00031; 1000 Genomes Project 0.00040; TOPMed 0.00052.

Submissions (13):

Labcorp Genetics (formerly Invitae), Labcorp
Classification: Likely benign for Pallister-Hall syndrome; Greig cephalopolysyndactyly syndrome. Last evaluated: 2025-12-10. Review status: criteria provided, single submitter. Criteria: Invitae Variant Classification Sherloc (09022015). Collection method: clinical testing. Allele origin: germline.

Mayo Clinic Laboratories, Mayo Clinic
Classification: Likely benign. Last evaluated: 2025-10-12. Review status: criteria provided, single submitter. Criteria: ACMG Guidelines, 2015. Collection method: clinical testing. Allele origin: germline. Observed: 1 variant allele.
Comment: BS1, BP4

Blueprint Genetics
Classification: Likely benign. Last evaluated: 2024-11-13. Review status: criteria provided, single submitter. Criteria: ACMG Guidelines, 2015. Collection method: clinical testing. Allele origin: germline.

CeGaT Center for Human Genetics Tuebingen
Classification: Benign. Last evaluated: 2022-03-01. Review status: criteria provided, single submitter. Criteria: CeGaT Center For Human Genetics Tuebingen Variant Classification Criteria Version 2. Collection method: clinical testing. Allele origin: germline. Affected: yes. Observed: 1 variant allele.
Comment: GLI3: BP4, BS1, BS2

GeneDx
Classification: Benign. Last evaluated: 2020-06-24. Review status: criteria provided, single submitter. Criteria: GeneDx Variant Classification Process June 2021. Collection method: clinical testing. Allele origin: germline. Affected: yes.

Illumina Laboratory Services, Illumina
Classification: Benign for Pallister-Hall syndrome. Last evaluated: 2018-01-12. Review status: criteria provided, single submitter. Criteria: ICSL Variant Classification Criteria 13 December 2019. Collection method: clinical testing. Allele origin: germline.
Comment: This variant was observed in the ICSL laboratory as part of a predisposition screen in an ostensibly healthy population. It had not been previously curated by ICSL or reported in the Human Gene Mutation Database (HGMD: prior to June 1st, 2018), and was therefore a candidate for classification through an automated scoring system. Utilizing variant allele frequency, disease prevalence and penetrance estimates, and inheritance mode, an automated score was calculated to assess if this variant is too frequent to cause the disease. Based on the score and internal cut-off values, a variant classified as benign is not then subjected to further curation. The score for this variant resulted in a classification of benign for this disease.

Illumina Laboratory Services, Illumina
Classification: Benign for Polydactyly. Last evaluated: 2018-01-12. Review status: criteria provided, single submitter. Criteria: ICSL Variant Classification Criteria 13 December 2019. Collection method: clinical testing. Allele origin: germline.
Comment: the same text as in the submission from Illumina Laboratory Services, Illumina above.

Illumina Laboratory Services, Illumina
Classification: Benign for Greig cephalopolysyndactyly syndrome. Last evaluated: 2018-01-12. Review status: criteria provided, single submitter. Criteria: ICSL Variant Classification Criteria 13 December 2019. Collection method: clinical testing. Allele origin: germline.
Comment: the same text as in the submission from Illumina Laboratory Services, Illumina above.

Eurofins Ntd Llc (ga)
Classification: Uncertain significance. Last evaluated: 2015-09-28. Review status: criteria provided, single submitter. Criteria: EGL Classification Definitions 2015. Collection method: clinical testing. Allele origin: germline. Observed: 1 variant allele, 1 heterozygote.

PreventionGenetics, part of Exact Sciences
Classification: Likely benign for GLI3-related condition. Last evaluated: 2022-10-25. Review status: no assertion criteria provided. Collection method: clinical testing. Allele origin: germline. Not counted in ClinVar's aggregate classification.
Comment: This variant is classified as likely benign based on ACMG/AMP sequence variant interpretation guidelines (Richards et al. 2015 PMID: 25741868, with internal and published modifications).

Clinical Genetics DNA and cytogenetics Diagnostics Lab, Erasmus MC, Erasmus Medical Center
Classification: Likely benign. Review status: no assertion criteria provided. Collection method: clinical testing. Allele origin: germline. Affected: yes. Study: VKGL Data-share Consensus. Not counted in ClinVar's aggregate classification.

Genome Diagnostics Laboratory, University Medical Center Utrecht
Classification: Likely benign. Review status: no assertion criteria provided. Collection method: clinical testing. Allele origin: germline. Affected: yes. Study: VKGL Data-share Consensus. Not counted in ClinVar's aggregate classification.

Laboratory of Diagnostic Genome Analysis, Leiden University Medical Center (LUMC)
Classification: Likely benign. Review status: no assertion criteria provided. Collection method: clinical testing. Allele origin: germline. Affected: yes. Study: VKGL Data-share Consensus. Not counted in ClinVar's aggregate classification.

Literature cited by the submitters: PubMed 34055685 (cited by Mayo Clinic Laboratories, Mayo Clinic).